The following is an entry in ClinVar:

ClinVar aggregate classification (germline): not provided (0 of 4 stars; one submission).

Conditions:
Seizures, benign familial neonatal, 1. Also called: KCNQ2-Related Benign Familial Neonatal Epilepsy; Benign Neonatal Epilepsy 1; KCNQ2-Related Self-Limited Familial Neonatal Epilepsy (SLFNE); Seizures, benign neonatal, 1. Identifiers: Orphanet 1949, MedGen C3149074, MONDO:0007365, OMIM 121200.

Submission:

GeneReviews
No classification provided. Condition: Seizures, benign familial neonatal, 1. Review status: no classification provided. Collection method: literature only. Allele origin: germline. Affected: yes.
Comment: Uncertain severity

Functional effect: Oocytes: expressed with KCNQ3 Thr246Ala (the homologous residue to KCNQ2 Thr246Ala variant)â€”moderate increase in the depolarization required for channel activation, normal total cellular protein and normal surface expression.

Literature cited by the submitters: PubMed 16319223; PubMed 23621294; NCBI Bookshelf NBK32534.

NM_172107.4(KCNQ2):c.650C>A (p.Thr217Asn)

Gene: KCNQ2 (potassium voltage-gated channel subfamily Q member 2; minus strand). Cytogenetic location: 20q13.33.
Variant type: single nucleotide variant.
Coding change: c.650C>A on transcript NM_172107.4 (MANE Select); coding-DNA position 650, C replaced by A.
Protein change: p.Thr217Asn; replaces threonine 217 with asparagine.
Molecular consequence: missense variant.
Genome position (GRCh38, 1-based): chr20:63,444,699, G>T on the plus strand (C>A on the coding strand, the complement: KCNQ2 is on the minus strand). VCF-style: chr20-63444699-G-T. GRCh37 (hg19) VCF-style: chr20-62076052-G-T.
Other names: c.650C>A, p.Thr217Asn (NM_004518.6, NM_172106.3, NM_172108.5 and 1 more transcripts); short protein forms T217N.
Identifiers: ClinVar variation 369758 (VCV000369758.2), dbSNP rs1057516090, ClinGen allele CA10654821.